The following is an entry in ClinVar:

NM_001079.4(ZAP70):c.54C>G (p.Ala18=)

Gene: ZAP70 (zeta chain of T cell receptor associated protein kinase 70; plus strand). Cytogenetic location: 2q11.2.
Variant type: single nucleotide variant.
Coding change: c.54C>G on transcript NM_001079.4 (MANE Select); coding-DNA position 54, C replaced by G.
Protein change: p.Ala18=; no amino-acid change (alanine 18 retained).
Molecular consequence: synonymous variant.
Genome position (GRCh38, 1-based): chr2:97,724,090, C>G. VCF-style: chr2-97724090-C-G. GRCh37 (hg19) VCF-style: chr2-98340553-C-G.
Other names: c.54C>G, p.Ala18= (NM_001378594.1).
Identifiers: ClinVar variation 3655874 (VCV003655874.6).

ClinVar aggregate classification (germline): Likely benign. Review status: criteria provided, multiple submitters, no conflicts (2 of 4 stars). 2 submissions from 2 submitters: Likely benign (2). Last evaluated 2026-02-01.

Conditions:
Combined immunodeficiency due to ZAP70 deficiency (IMD48). Also called: Immunodeficiency 48; ZAP70 Deficiency. Identifiers: Orphanet 911, MedGen C2931299, MONDO:0010023, OMIM 269840.

gnomAD v4.1: 4 of 1,561,506 alleles (0.00026%); highest among the groups gnomAD compares: South Asian, 0.0023%; no homozygotes.

Submissions (2):

CeGaT Center for Human Genetics Tuebingen
Classification: Likely benign. Last evaluated: 2026-02-01. Review status: criteria provided, single submitter. Criteria: CeGaT Center For Human Genetics Tuebingen Variant Classification Criteria Version 2. Collection method: clinical testing. Allele origin: germline. Affected: yes. Observed: 1 variant allele.
Comment: ZAP70: BP4, BP7

Labcorp Genetics (formerly Invitae), Labcorp
Classification: Likely benign for Combined immunodeficiency due to ZAP70 deficiency. Last evaluated: 2025-08-14. Review status: criteria provided, single submitter. Criteria: Invitae Variant Classification Sherloc (09022015). Collection method: clinical testing. Allele origin: germline.